The following is an entry in ClinVar:

ClinVar aggregate classification (germline): Pathogenic (1 of 4 stars; one submission).

Conditions:
Autosomal recessive nonsyndromic hearing loss 7. Also called: DEAFNESS, AUTOSOMAL RECESSIVE 11. Identifiers: Orphanet 90636, MedGen C1832978, MONDO:0010967, OMIM 600974.

Submission:

Institute of Rare Diseases, West China Hospital, Sichuan University
Classification: Pathogenic for Autosomal recessive nonsyndromic hearing loss 7. Last evaluated: 2025-01-09. Review status: criteria provided, single submitter. Criteria: ClinGen HL ACMG Specifications v1. Collection method: research. Allele origin: germline. Affected: yes.
Comment: PVS1;PM3_Supporting;PM2_Supporting

NM_138691.3(TMC1):c.968dup (p.Tyr323Ter)

Gene: TMC1 (transmembrane channel like 1; plus strand). Cytogenetic location: 9q21.13.
Variant type: Duplication.
Coding change: c.968dup on transcript NM_138691.3 (MANE Select); coding-DNA position 968, one base duplicated (A; older notation c.968dupA).
Protein change: p.Tyr323Ter; replaces tyrosine 323 with a stop codon.
Molecular consequence: nonsense.
Genome position (GRCh38, 1-based): chr9:72,788,422, A duplicated. VCF-style (leftmost placement, unchanged base first): chr9-72788421-T-TA. GRCh37 (hg19) VCF-style: chr9-75403337-T-TA.
Other names: short protein forms Y323*.
Identifiers: ClinVar variation 3601923 (VCV003601923.1).